The following is an entry in ClinVar:

NM_020461.4(TUBGCP6):c.4950C>T (p.Arg1650=)

Gene: TUBGCP6 (tubulin gamma complex component 6; minus strand). Cytogenetic location: 22q13.33.
Variant type: single nucleotide variant.
Coding change: c.4950C>T on transcript NM_020461.4 (MANE Select); coding-DNA position 4950, C replaced by T.
Protein change: p.Arg1650=; no amino-acid change (arginine 1650 retained).
Molecular consequence: synonymous variant.
Genome position (GRCh38, 1-based): chr22:50,218,492, G>A on the plus strand (C>T on the coding strand, the complement: TUBGCP6 is on the minus strand). VCF-style: chr22-50218492-G-A. GRCh37 (hg19) VCF-style: chr22-50656921-G-A.
Other names: c.4950C>T (NM_020461.3).
Identifiers: ClinVar variation 2899658 (VCV002899658.6), dbSNP rs754126933, ClinGen allele CA325509088.
Genomic context (GRCh38, chr22:50,218,492, plus strand): 5'-GGTGAGCGCAGCCTCCAGCCAGGGGTGCGGGGCGCCGGGCTCCAGCGGGGCCTCACCTGT[G>A]CGCTTGAGGTGGAAGCAGACGTCCTTGAGCGCCCACATCATGAGCTTCAGCTGCAGCAGG-3'
Protein context (NP_065194.3, residues 1640-1660): ALKDVCFHLK[Arg1650=]TALLSHMAGS

ClinVar aggregate classification (germline): Likely benign. Review status: criteria provided, multiple submitters, no conflicts (2 of 4 stars). 3 submissions from 3 submitters: Likely benign (2). 1 of the submissions does not count toward it. Last evaluated 2024-10-28.

Conditions:
TUBGCP6-related disorder. Also called: TUBGCP6-related condition.

Allele frequency attached by ClinVar (database versions not stated): gnomAD 0.00001; TOPMed 0.00001; gnomAD exomes 0.00003.
gnomAD v4.1: 40 of 1,613,378 alleles (0.0025%); highest among the groups gnomAD compares: Non-Finnish European, 0.0033%; no homozygotes.

Submissions (3):

Blueprint Genetics
Classification: Likely benign. Last evaluated: 2024-10-28. Review status: criteria provided, single submitter. Criteria: ACMG Guidelines, 2015. Collection method: clinical testing. Allele origin: germline.

Labcorp Genetics (formerly Invitae), Labcorp
Classification: Likely benign. Last evaluated: 2023-11-10. Review status: criteria provided, single submitter. Criteria: Invitae Variant Classification Sherloc (09022015). Collection method: clinical testing. Allele origin: germline.

PreventionGenetics, part of Exact Sciences
Classification: Likely benign for TUBGCP6-related condition. Last evaluated: 2023-09-01. Review status: no assertion criteria provided. Collection method: clinical testing. Allele origin: germline. Not counted in ClinVar's aggregate classification.
Comment: This variant is classified as likely benign based on ACMG/AMP sequence variant interpretation guidelines (Richards et al. 2015 PMID: 25741868, with internal and published modifications).